The following is an entry in ClinVar:

NM_172362.3(KCNH1):c.1379G>A (p.Ser460Asn)

Gene: KCNH1 (potassium voltage-gated channel subfamily H member 1; minus strand). Cytogenetic location: 1q32.2.
Variant type: single nucleotide variant.
Coding change: c.1379G>A on transcript NM_172362.3 (MANE Select); coding-DNA position 1379, G replaced by A.
Protein change: p.Ser460Asn; replaces serine 460 with asparagine.
Molecular consequence: missense variant.
Genome position (GRCh38, 1-based): chr1:210,919,723, C>T on the plus strand (G>A on the coding strand, the complement: KCNH1 is on the minus strand). VCF-style: chr1-210919723-C-T. GRCh37 (hg19) VCF-style: chr1-211093065-C-T.
Other names: c.1298G>A, p.Ser433Asn (NM_002238.4); short protein forms S433N, S460N.
Identifiers: ClinVar variation 1375576 (VCV001375576.8), dbSNP rs2102561385, ClinGen allele CA344873096.

ClinVar aggregate classification (germline): Pathogenic (1 of 4 stars; one submission).

Submission:

Labcorp Genetics (formerly Invitae), Labcorp
Classification: Pathogenic. Last evaluated: 2021-02-01. Review status: criteria provided, single submitter. Criteria: Invitae Variant Classification Sherloc (09022015). Collection method: clinical testing. Allele origin: germline.
Comment: This variant is not present in population databases (ExAC no frequency). For these reasons, this variant has been classified as Pathogenic. Advanced modeling of protein sequence and biophysical properties (such as structural, functional, and spatial information, amino acid conservation, physicochemical variation, residue mobility, and thermodynamic stability) performed at Invitae indicates that this missense variant is expected to disrupt KCNH1 protein function. This variant has been observed in individual(s) with clinical features of KCNH1-related conditions (Invitae). In at least one individual the variant was observed to be de novo. This sequence change replaces serine with asparagine at codon 460 of the KCNH1 protein (p.Ser460Asn). The serine residue is moderately conserved and there is a small physicochemical difference between serine and asparagine.